The following is an entry in ClinVar:

ClinVar aggregate classification (germline): Uncertain significance (1 of 4 stars; one submission).

Conditions:
POLD1-related polyposis and colorectal cancer syndrome (CRCS10). Also called: Colorectal cancer 10; Colorectal cancer, susceptibility to, 10; COLORECTAL CANCER, SUSCEPTIBILITY TO, ON CHROMOSOME 19q. Identifiers: Orphanet 220460, MedGen C2675481, MONDO:0012953, OMIM 612591.

Submission:

Labcorp Genetics (formerly Invitae), Labcorp
Classification: Uncertain significance for POLD1-related polyposis and colorectal cancer syndrome. Last evaluated: 2024-01-14. Review status: criteria provided, single submitter. Criteria: Invitae Variant Classification Sherloc (09022015). Collection method: clinical testing. Allele origin: germline.
Comment: This sequence change replaces glutamine, which is neutral and polar, with proline, which is neutral and non-polar, at codon 1038 of the POLD1 protein (p.Gln1038Pro). This variant is not present in population databases (gnomAD no frequency). This variant has not been reported in the literature in individuals affected with POLD1-related conditions. Advanced modeling of protein sequence and biophysical properties (such as structural, functional, and spatial information, amino acid conservation, physicochemical variation, residue mobility, and thermodynamic stability) has been performed at Invitae for this missense variant, however the output from this modeling did not meet the statistical confidence thresholds required to predict the impact of this variant on POLD1 protein function. In summary, the available evidence is currently insufficient to determine the role of this variant in disease. Therefore, it has been classified as a Variant of Uncertain Significance.

NM_002691.4(POLD1):c.3113A>C (p.Gln1038Pro)

Gene: POLD1 (DNA polymerase delta 1, catalytic subunit; plus strand). Cytogenetic location: 19q13.33.
Variant type: single nucleotide variant.
Coding change: c.3113A>C on transcript NM_002691.4 (MANE Select); coding-DNA position 3113, A replaced by C.
Protein change: p.Gln1038Pro; replaces glutamine 1038 with proline.
Molecular consequence: missense variant. On other transcripts: non-coding transcript variant (1).
Genome position (GRCh38, 1-based): chr19:50,417,090, A>C. VCF-style: chr19-50417090-A-C. GRCh37 (hg19) VCF-style: chr19-50920347-A-C.
Other names: c.3113A>C, p.Gln1038Pro (NM_001256849.1); c.3191A>C, p.Gln1064Pro (NM_001308632.1); short protein forms Q1038P, Q1064P.
Identifiers: ClinVar variation 2708495 (VCV002708495.3), dbSNP rs201139477, ClinGen allele CA406987178.
Genomic context (GRCh38, chr19:50,417,090, plus strand): 5'-CCCGCCTCCCCACAGGAGCCGTGTGTGAGTTCTGCCAGCCCCGGGAGTCTGAGCTGTATC[A>C]GAAGGAGGTGAGAGGGCCGGGAGGTGAGGAGGGGCCAGGTGGGGAGGCGGGGGCGCCCTG-3'
Protein context (NP_002682.2, residues 1028-1048): FCQPRESELY[Gln1038Pro]KEVSHLNALE